The following is an entry in ClinVar:

ClinVar aggregate classification (germline): Uncertain significance (1 of 4 stars; one submission).

Conditions:
Combined immunodeficiency due to MALT1 deficiency. Also called: Immunodeficiency 12. Identifiers: Orphanet 397964, MedGen C3809583, MONDO:0014197, OMIM 615468.

gnomAD v4.1: 1 of 1,611,292 alleles (0.000062%); highest among the groups gnomAD compares: Admixed American, 0.0017%; no homozygotes.

Submission:

Labcorp Genetics (formerly Invitae), Labcorp
Classification: Uncertain significance for Combined immunodeficiency due to MALT1 deficiency. Last evaluated: 2021-02-02. Review status: criteria provided, single submitter. Criteria: Invitae Variant Classification Sherloc (09022015). Collection method: clinical testing. Allele origin: germline.
Comment: In summary, the available evidence is currently insufficient to determine the role of this variant in disease. Therefore, it has been classified as a Variant of Uncertain Significance. Algorithms developed to predict the effect of sequence changes on RNA splicing suggest that this variant may disrupt the consensus splice site, but this prediction has not been confirmed by published transcriptional studies. This variant has not been reported in the literature in individuals with MALT1-related conditions. This variant is not present in population databases (ExAC no frequency). This sequence change falls in intron 1 of the MALT1 gene. It does not directly change the encoded amino acid sequence of the MALT1 protein.

NM_006785.4(MALT1):c.210-5T>G

Gene: MALT1 (MALT1 paracaspase; plus strand). Cytogenetic location: 18q21.32.
Variant type: single nucleotide variant.
Coding change: c.210-5T>G on transcript NM_006785.4 (MANE Select); 5 bases into the intron before coding-DNA position 210, T replaced by G.
Molecular consequence: intron variant.
Genome position (GRCh38, 1-based): chr18:58,681,165, T>G. VCF-style: chr18-58681165-T-G. GRCh37 (hg19) VCF-style: chr18-56348397-T-G.
Other names: c.210-5T>G (NM_173844.3).
Identifiers: ClinVar variation 1426874 (VCV001426874.8), dbSNP rs774420660, ClinGen allele CA990768895.